The following is an entry in ClinVar:

ClinVar aggregate classification (germline): Uncertain significance. Review status: criteria provided, multiple submitters, no conflicts (2 of 4 stars). 2 submissions from 2 submitters: Uncertain significance (2). Last evaluated 2025-06-04.

Allele frequency attached by ClinVar (database versions not stated): TOPMed 0.00004; 1000 Genomes Project 30x 0.00016; 1000 Genomes Project 0.00020.
gnomAD v4.1: 64 of 1,550,664 alleles (0.0041%); highest among the groups gnomAD compares: South Asian, 0.031%; 1 homozygote.

Submissions (2):

GeneDx
Classification: Uncertain significance. Last evaluated: 2025-06-04. Review status: criteria provided, single submitter. Criteria: GeneDx Variant Classification Process June 2021. Collection method: clinical testing. Allele origin: germline. Affected: yes.
Comment: Identified in a patient with hearing loss and classified as a variant of uncertain significance in published literature (PMID: 40069133); In silico analysis supports that this missense variant has a deleterious effect on protein structure/function; This variant is associated with the following publications: (PMID: 40069133)

Blueprint Genetics
Classification: Uncertain significance. Last evaluated: 2024-03-07. Review status: criteria provided, single submitter. Criteria: ACMG Guidelines, 2015. Collection method: clinical testing. Allele origin: germline.

NM_001292063.2(OTOG):c.8513G>A (p.Arg2838His)

Gene: OTOG (otogelin; plus strand). Cytogenetic location: 11p15.1.
Variant type: single nucleotide variant.
Coding change: c.8513G>A on transcript NM_001292063.2 (MANE Select); coding-DNA position 8513, G replaced by A.
Protein change: p.Arg2838His; replaces arginine 2838 with histidine.
Molecular consequence: missense variant.
Genome position (GRCh38, 1-based): chr11:17,645,615, G>A. VCF-style: chr11-17645615-G-A. GRCh37 (hg19) VCF-style: chr11-17667162-G-A.
Other names: c.8549G>A, p.Arg2850His (NM_001277269.2); short protein forms R2838H, R2850H.
Identifiers: ClinVar variation 1333052 (VCV001333052.4), dbSNP rs548280117, ClinGen allele CA5906305.